The following is an entry in ClinVar:

ClinVar aggregate classification (germline): Uncertain significance (1 of 4 stars; one submission).

Conditions:
Familial cold autoinflammatory syndrome 3 (FCAS3). Also called: FAMILIAL ATYPICAL COLD URTICARIA; ANTIBODY DEFICIENCY AND IMMUNE DYSREGULATION, PLCG2-ASSOCIATED. Identifiers: Orphanet 300359, MedGen C3280914, MONDO:0013766, OMIM 614468.

Allele frequency attached by ClinVar (database versions not stated): gnomAD 0.00002; TOPMed 0.00004.
gnomAD v4.1: 67 of 1,613,292 alleles (0.0042%); highest among the groups gnomAD compares: Non-Finnish European, 0.0053%; no homozygotes.

Submission:

Labcorp Genetics (formerly Invitae), Labcorp
Classification: Uncertain significance for Familial cold autoinflammatory syndrome 3. Last evaluated: 2025-10-18. Review status: criteria provided, single submitter. Criteria: Invitae Variant Classification Sherloc (09022015). Collection method: clinical testing. Allele origin: germline.
Comment: This sequence change replaces aspartic acid, which is acidic and polar, with asparagine, which is neutral and polar, at codon 427 of the PLCG2 protein (p.Asp427Asn). This variant is present in population databases (rs780141402, gnomAD 0.01%). This variant has not been reported in the literature in individuals affected with PLCG2-related conditions. ClinVar contains an entry for this variant (Variation ID: 952189). An algorithm developed to predict the effect of missense changes on protein structure and function (PolyPhen-2) suggests that this variant is likely to be tolerated. In summary, the available evidence is currently insufficient to determine the role of this variant in disease. Therefore, it has been classified as a Variant of Uncertain Significance.

NM_002661.5(PLCG2):c.1279G>A (p.Asp427Asn)

Gene: PLCG2 (phospholipase C gamma 2; plus strand). Cytogenetic location: 16q23.3.
Variant type: single nucleotide variant.
Coding change: c.1279G>A on transcript NM_002661.5 (MANE Select); coding-DNA position 1279, G replaced by A.
Protein change: p.Asp427Asn; replaces aspartic acid 427 with asparagine.
Molecular consequence: missense variant.
Genome position (GRCh38, 1-based): chr16:81,900,697, G>A. VCF-style: chr16-81900697-G-A. GRCh37 (hg19) VCF-style: chr16-81934302-G-A.
Other names: short protein forms D427N.
Identifiers: ClinVar variation 952189 (VCV000952189.9), dbSNP rs780141402, ClinGen allele CA8193681.
Genomic context (GRCh38, chr16:81,900,697, plus strand): 5'-GAGCACTGCAGCGTGGAGCAACAGCGTCACATGGCCAAGGCCTTCAAGGAAGTATTTGGC[G>A]ACCTGCTGTTGACGAAGCCCACGGAGGCCAGTGCTGACCAGCTGCCCTCGCCCAGCCAGC-3'
Protein context (NP_002652.2, residues 417-437): MAKAFKEVFG[Asp427Asn]LLLTKPTEAS